The following is an entry in ClinVar:

NM_001142800.2(EYS):c.9152A>G (p.Gln3051Arg)

Genes: EYS (EGF-like photoreceptor maintenance factor; minus strand), PHF3 (PHD finger protein 3; plus strand). Cytogenetic location: 6q12.
Variant type: single nucleotide variant.
Coding change: c.9152A>G on transcript NM_001142800.2 (MANE Select); coding-DNA position 9152, A replaced by G.
Protein change: p.Gln3051Arg; replaces glutamine 3051 with arginine.
Molecular consequence: missense variant. On other transcripts: 3 prime UTR variant (5).
Genome position (GRCh38, 1-based): chr6:63,720,879, T>C on the plus strand (A>G on the coding strand, the complement: EYS is on the minus strand). VCF-style: chr6-63720879-T-C. GRCh37 (hg19) VCF-style: chr6-64430775-T-C.
Other names: c.*7171T>C (NM_001290259.2, NM_001370348.2, NM_001370349.2 and 2 more transcripts); c.9215A>G, p.Gln3072Arg (NM_001292009.2); short protein forms Q3051R, Q3072R.
Identifiers: ClinVar variation 2197908 (VCV002197908.2), dbSNP rs2533386976, ClinGen allele CA364383137.
Genomic context (GRCh38, chr6:63,720,879, plus strand): 5'-TCAATATCCTCGGAAAGAATTAGACTGTTATTTATGTAGGCCTTGATAAGAGTCTGATTT[T>C]GAATTACAACTACATGGTGCCATTTATTACAACAGAATGTGCCATTGTTATAGCTCATAG-3'
Protein context (NP_001136272.1, residues 3041-3061): CNKWHHVVVI[Gln3051Arg]NQTLIKAYIN

ClinVar aggregate classification (germline): Uncertain significance (1 of 4 stars; one submission).

Allele frequency attached by ClinVar (database versions not stated): gnomAD exomes below 0.00001.
gnomAD v4.1: 6 of 1,551,188 alleles (0.00039%); highest among the groups gnomAD compares: Non-Finnish European, 0.00052%; no homozygotes.

Submission:

Labcorp Genetics (formerly Invitae), Labcorp
Classification: Uncertain significance. Last evaluated: 2025-05-12. Review status: criteria provided, single submitter. Criteria: Invitae Variant Classification Sherloc (09022015). Collection method: clinical testing. Allele origin: germline.
Comment: This sequence change replaces glutamine, which is neutral and polar, with arginine, which is basic and polar, at codon 3051 of the EYS protein (p.Gln3051Arg). This variant is not present in population databases (gnomAD no frequency). This variant has not been reported in the literature in individuals affected with EYS-related conditions. ClinVar contains an entry for this variant (Variation ID: 2197908). Invitae Evidence Modeling of protein sequence and biophysical properties (such as structural, functional, and spatial information, amino acid conservation, physicochemical variation, residue mobility, and thermodynamic stability) has been performed for this missense variant. However, the output from this modeling did not meet the statistical confidence thresholds required to predict the impact of this variant on EYS protein function. In summary, the available evidence is currently insufficient to determine the role of this variant in disease. Therefore, it has been classified as a Variant of Uncertain Significance.